The following is an entry in ClinVar:

ClinVar aggregate classification (germline): Conflicting classifications of pathogenicity. Review status: criteria provided, conflicting classifications (1 of 4 stars). 2 submissions from 2 submitters: Uncertain significance (1); Likely benign (1). Last evaluated 2026-08-07.

Conditions:
Multiple endocrine neoplasia, type 1 (MEN1). Also called: MEN I; WERMER SYNDROME; Endocrine adenomatosis multiple; MEN 1; MEA I. Identifiers: Orphanet 652, MedGen C0025267, MeSH D018761, MONDO:0007540, OMIM 131100.
Hereditary cancer-predisposing syndrome. Also called: Neoplastic Syndromes, Hereditary; Hereditary Cancer Syndrome; Hereditary neoplastic syndrome; Tumor predisposition. Identifiers: Orphanet 140162, MedGen C0027672, MeSH D009386, MONDO:0015356.

Allele frequency attached by ClinVar (database versions not stated): gnomAD exomes 0.00001.

Submissions (2):

Ambry Genetics
Classification: Uncertain significance for Hereditary cancer-predisposing syndrome. Last evaluated: 2026-08-07. Review status: criteria provided, single submitter. Criteria: Ambry Variant Classification Scheme 2023. Collection method: clinical testing. Allele origin: germline.
Comment: The p.Y90C variant (also known as c.269A>G), located in coding exon 1 of the MEN1 gene, results from an A to G substitution at nucleotide position 269. The tyrosine at codon 90 is replaced by cysteine, an amino acid with highly dissimilar properties. This amino acid position is well conserved in available vertebrate species. In addition, this alteration is predicted to be deleterious by in silico analysis. Based on the available evidence, the clinical significance of this variant remains unclear.

Labcorp Genetics (formerly Invitae), Labcorp
Classification: Likely benign for Multiple endocrine neoplasia, type 1. Last evaluated: 2025-05-23. Review status: criteria provided, single submitter. Criteria: Invitae Variant Classification Sherloc (09022015). Collection method: clinical testing. Allele origin: germline.

NM_001370259.2(MEN1):c.269A>G (p.Tyr90Cys)

Gene: MEN1 (menin 1; minus strand). Cytogenetic location: 11q13.1.
Variant type: single nucleotide variant.
Coding change: c.269A>G on transcript NM_001370259.2 (MANE Select); coding-DNA position 269, A replaced by G.
Protein change: p.Tyr90Cys; replaces tyrosine 90 with cysteine.
Molecular consequence: missense variant.
Genome position (GRCh38, 1-based): chr11:64,809,841, T>C on the plus strand (A>G on the coding strand, the complement: MEN1 is on the minus strand). VCF-style: chr11-64809841-T-C. GRCh37 (hg19) VCF-style: chr11-64577313-T-C.
Other names: c.269A>G, p.Tyr90Cys (NM_001370262.2, NM_001370263.2, NM_000244.4 and 9 more transcripts); short protein forms Y90C.
Identifiers: ClinVar variation 572091 (VCV000572091.12), dbSNP rs1565651873, ClinGen allele CA381187518.
Genomic context (GRCh38, chr11:64,809,841, plus strand): 5'-CCTTCTCGAGGATAGAGGGACAGGTCGACGGCGCCTCGGATCTGGGCGGTGAAGCGGGCA[T>C]AGAGGGCGGCGATGATAGACAGGTCGGCCACGGGAAAGTAGGTGAGGCCGCCAGGCGGGT-3'
Protein context (NP_001357188.2, residues 80-100): VADLSIIAAL[Tyr90Cys]ARFTAQIRGA